The following is an entry in ClinVar:

NM_001042492.3(NF1):c.774A>G (p.Glu258=)

Gene: NF1 (neurofibromin 1; plus strand). Cytogenetic location: 17q11.2.
Variant type: single nucleotide variant.
Coding change: c.774A>G on transcript NM_001042492.3 (MANE Select); coding-DNA position 774, A replaced by G.
Protein change: p.Glu258=; no amino-acid change (glutamic acid 258 retained).
Molecular consequence: synonymous variant.
Genome position (GRCh38, 1-based): chr17:31,182,551, A>G. VCF-style: chr17-31182551-A-G. GRCh37 (hg19) VCF-style: chr17-29509569-A-G.
Other names: c.774A>G, p.Glu258= (NM_000267.4, NM_001128147.3).
Identifiers: ClinVar variation 480113 (VCV000480113.18), dbSNP rs1555608947, ClinGen allele CA499209162.
Genomic context (GRCh38, chr17:31,182,551, plus strand): 5'-ATATATTTTTCATGCAGAATGTGCAGAAAAGCTATTTGACTTGGTGGATGGTTTTGCTGA[A>G]AGCACCAAACGTAAAGCAGCAGTTTGGCCACTACAAATCATTCTCCTTATCTTGTGTCCA-3'
Protein context (NP_001035957.1, residues 248-268): KLFDLVDGFA[Glu258=]STKRKAAVWP

ClinVar aggregate classification (germline): Benign/Likely benign. Review status: criteria provided, multiple submitters, no conflicts (2 of 4 stars). 6 submissions from 5 submitters: Benign (1); Likely benign (4). 1 of the submissions does not count toward it. Last evaluated 2026-05-14.

Conditions:
Hereditary cancer-predisposing syndrome. Also called: Hereditary neoplastic syndrome; Neoplastic Syndromes, Hereditary; Hereditary Cancer Syndrome; Tumor predisposition. Identifiers: Orphanet 140162, MedGen C0027672, MeSH D009386, MONDO:0015356.
Cardiovascular phenotype. Identifiers: MedGen CN230736.
NF1-related disorder. Also called: NF1-related condition. Identifiers: MedGen CN379171.
Neurofibromatosis, type 1 (NF1). Also called: Peripheral type neurofibromatosis; Neurofibromatosis, type I; VON RECKLINGHAUSEN DISEASE; NEUROFIBROMATOSIS, TYPE I, SOMATIC. Identifiers: Orphanet 636, MedGen C0027831, MONDO:0018975, OMIM 162200. Disease mechanism: loss of function.

Allele frequency attached by ClinVar (database versions not stated): gnomAD exomes 0.00001.
gnomAD v4.1: 4 of 1,614,124 alleles (0.00025%); highest among the groups gnomAD compares: Non-Finnish European, 0.00034%; no homozygotes.

Submissions (6):

Myriad Genetics, Inc.
Classification: Benign for Neurofibromatosis, type 1. Last evaluated: 2026-05-14. Review status: criteria provided, single submitter. Criteria: Myriad Autosomal Dominant, Autosomal Recessive and X-Linked Classification Criteria (2023). Collection method: clinical testing. Allele origin: unknown.
Comment: This variant is considered benign. This variant is a silent/synonymous amino acid change and it is not expected to impact splicing.

Labcorp Genetics (formerly Invitae), Labcorp
Classification: Likely benign for Neurofibromatosis, type 1. Last evaluated: 2025-01-14. Review status: criteria provided, single submitter. Criteria: Invitae Variant Classification Sherloc (09022015). Collection method: clinical testing. Allele origin: germline.

Genome-Nilou Lab
Classification: Likely benign for Neurofibromatosis, type 1. Last evaluated: 2022-03-15. Review status: criteria provided, single submitter. Criteria: ACMG Guidelines, 2015. Collection method: clinical testing. Allele origin: germline. Affected: no.

Ambry Genetics
Classification: Likely benign for Hereditary cancer-predisposing syndrome. Last evaluated: 2016-03-28. Review status: criteria provided, single submitter. Criteria: Ambry Autosomal Dominant and X-Linked criteria (10/2015). Collection method: clinical testing. Allele origin: germline. Observed: 1 variant allele.
Comment: In silico models in agreement (benign);Synonymous alterations with insufficient evidence to classify as benign

Ambry Genetics
Classification: Likely benign for Cardiovascular phenotype; Hereditary cancer-predisposing syndrome. Last evaluated: 2016-03-28. Review status: criteria provided, single submitter. Criteria: Ambry Variant Classification Scheme 2023. Collection method: clinical testing. Allele origin: germline.

PreventionGenetics, part of Exact Sciences
Classification: Likely benign for NF1-related condition. Last evaluated: 2023-05-17. Review status: no assertion criteria provided. Collection method: clinical testing. Allele origin: germline. Not counted in ClinVar's aggregate classification.
Comment: This variant is classified as likely benign based on ACMG/AMP sequence variant interpretation guidelines (Richards et al. 2015 PMID: 25741868, with internal and published modifications).